The following is an entry in ClinVar:

ClinVar aggregate classification (germline): Pathogenic. Review status: criteria provided, multiple submitters, no conflicts (2 of 4 stars). 2 submissions from 2 submitters: Pathogenic (2). Last evaluated 2025-04-13.

Conditions:
Peutz-Jeghers syndrome (PJS). Also called: POLYPOSIS, HAMARTOMATOUS INTESTINAL; POLYPS-AND-SPOTS SYNDROME; Peutz-Jeghers polyposis; Periorificial lentiginosis syndrome. Identifiers: Orphanet 2869, MedGen C0031269, MeSH D010580, MONDO:0008280, OMIM 175200.

Submissions (2):

Labcorp Genetics (formerly Invitae), Labcorp
Classification: Pathogenic for Peutz-Jeghers syndrome. Last evaluated: 2025-04-13. Review status: criteria provided, single submitter. Criteria: Invitae Variant Classification Sherloc (09022015). Collection method: clinical testing. Allele origin: germline.
Comment: This sequence change creates a premature translational stop signal (p.Leu80Serfs*16) in the STK11 gene. It is expected to result in an absent or disrupted protein product. Loss-of-function variants in STK11 are known to be pathogenic (PMID: 15188174, 16287113). This variant is not present in population databases (gnomAD no frequency). This variant has not been reported in the literature in individuals affected with STK11-related conditions. ClinVar contains an entry for this variant (Variation ID: 3148301). For these reasons, this variant has been classified as Pathogenic.

Myriad Genetics, Inc.
Classification: Pathogenic for Peutz-Jeghers syndrome. Last evaluated: 2024-02-09. Review status: criteria provided, single submitter. Criteria: Myriad Autosomal Dominant, Autosomal Recessive and X-Linked Classification Criteria (2023). Collection method: clinical testing. Allele origin: unknown.
Comment: This variant is considered pathogenic. This variant creates a frameshift predicted to result in premature protein truncation.

Literature cited by the submitters: PubMed 15188174 (cited by Labcorp Genetics (formerly Invitae), Labcorp); PubMed 16287113 (cited by Labcorp Genetics (formerly Invitae), Labcorp).

NM_000455.5(STK11):c.238del (p.Leu80fs)

Gene: STK11 (serine/threonine kinase 11; plus strand). Cytogenetic location: 19p13.3.
Variant type: Deletion.
Coding change: c.238del on transcript NM_000455.5 (MANE Select); coding-DNA position 238, one base deleted (C; older notation c.238delC).
Protein change: p.Leu80fs; shifts the reading frame from leucine 80.
Molecular consequence: frameshift variant. On other transcripts: non-coding transcript variant (1).
Genome position (GRCh38, 1-based): chr19:1,207,151, C deleted; the last of 2 consecutive C bases (chr19:1,207,150-1,207,151); deleting either gives the same sequence. VCF-style (leftmost placement, unchanged base first): chr19-1207149-TC-T. GRCh37 (hg19) VCF-style: chr19-1207148-TC-T.
Other names: c.238del, p.Leu80fs (NM_001407255.1); short protein forms L80fs.
Identifiers: ClinVar variation 3148301 (VCV003148301.2), dbSNP rs2512921641, ClinGen allele CA2825002727.
Genomic context (GRCh38, chr19:1,207,149, plus strand): 5'-CTTACGGCAAGGTGAAGGAGGTGCTGGACTCGGAGACGCTGTGCAGGAGGGCCGTCAAGA[TC>T]CTCAAGAAGAAGAAGTTGCGAAGGATCCCCAACGGGGAGGCCAACGTGAAGAAGTAAGTA-3'